The following is an entry in ClinVar:

ClinVar aggregate classification (germline): Uncertain significance (1 of 4 stars; one submission).

Allele frequency attached by ClinVar (database versions not stated): gnomAD exomes below 0.00001.

Submission:

Labcorp Genetics (formerly Invitae), Labcorp
Classification: Uncertain significance. Last evaluated: 2023-10-08. Review status: criteria provided, single submitter. Criteria: Invitae Variant Classification Sherloc (09022015). Collection method: clinical testing. Allele origin: germline.
Comment: This sequence change affects the initiator methionine of the FBXW4 mRNA. The next in-frame methionine is located at codon 45. This variant is not present in population databases (gnomAD no frequency). This variant has not been reported in the literature in individuals affected with FBXW4-related conditions. Experimental studies and prediction algorithms are not available or were not evaluated, and the functional significance of this variant is currently unknown. In summary, the available evidence is currently insufficient to determine the role of this variant in disease. Therefore, it has been classified as a Variant of Uncertain Significance.

NM_022039.4(FBXW4):c.467T>C (p.Met156Thr)

Genes: FBXW4 (F-box and WD repeat domain containing 4; minus strand), LOC130004563 (ATAC-STARR-seq lymphoblastoid silent region 2723; plus strand). Cytogenetic location: 10q24.32.
Variant type: single nucleotide variant.
Coding change: c.467T>C on transcript NM_022039.4 (MANE Select); coding-DNA position 467, T replaced by C.
Protein change: p.Met156Thr; replaces methionine 156 with threonine.
Molecular consequence: missense variant. On other transcripts: non-coding transcript variant (1), intron variant (1).
Genome position (GRCh38, 1-based): chr10:101,694,639, A>G on the plus strand (T>C on the coding strand, the complement: FBXW4 is on the minus strand). VCF-style: chr10-101694639-A-G. GRCh37 (hg19) VCF-style: chr10-103454396-A-G.
Other names: c.-2+601T>C (NM_001323541.2); short protein forms M156T.
Identifiers: ClinVar variation 2799570 (VCV002799570.3), dbSNP rs2064655619, ClinGen allele CA377832620.
Genomic context (GRCh38, chr10:101,694,639, plus strand): 5'-CGGGCAGCCGACTCCCGAGCCGCCTCCTCCTCCTCCTCCTCCTCCCCGGCCGCCGCCGCC[A>G]TGGCCACCCCTGTCCCCGCGATGTCGGCCCAAGCCTGACCCCCTCGTCCCTGTGCTCTTC-3'
Protein context (NP_071322.2, residues 146-166): WADIAGTGVA[Met156Thr]AAAAGEEEEE